The following is an entry in ClinVar:

ClinVar aggregate classification (germline): Likely pathogenic (1 of 4 stars; one submission).

Conditions:
DDX41-related hematologic malignancy predisposition syndrome. Also called: Myeloproliferative/lymphoproliferative neoplasms, familial (multiple types), susceptibility to; DDX41-Associated Familial Myelodysplastic Syndrome and Acute Myeloid Leukemia. Identifiers: Orphanet 488647, MedGen C4225174, MONDO:0014809, OMIM 616871.

Submission:

Juno Genomics, Hangzhou Juno Genomics, Inc
Classification: Likely pathogenic for DDX41-related hematologic malignancy predisposition syndrome. Review status: criteria provided, single submitter. Criteria: ACMG Guidelines, 2015. Collection method: clinical testing. Allele origin: germline.
Comment: Absent from controls (or at extremely low frequency if recessive) in Genome Aggregation Database.;Null variant in a gene where loss of function (LOF) is a known mechanism of disease.

NM_016222.4(DDX41):c.1042_1043insATGC (p.Arg348fs)

Gene: DDX41 (DEAD-box helicase 41; minus strand). Cytogenetic location: 5q35.3.
Variant type: Insertion.
Coding change: c.1042_1043insATGC on transcript NM_016222.4 (MANE Select); coding-DNA positions 1042 to 1043, ATGC inserted.
Protein change: p.Arg348fs; shifts the reading frame from arginine 348.
Molecular consequence: frameshift variant.
Genome position: GRCh38 VCF-style: chr5-177513740-C-CGCAT. GRCh37 (hg19) VCF-style: chr5-176940741-C-CGCAT.
Other names: c.664_665insATGC, p.Arg222fs (NM_001321732.2, NM_001321830.2); short protein forms R222fs, R348fs.
Identifiers: ClinVar variation 3767100 (VCV003767100.3).